The following is an entry in ClinVar:

NM_006767.4(LZTR1):c.1685T>G (p.Leu562Arg)

Gene: LZTR1 (leucine zipper like post translational regulator 1; plus strand). Cytogenetic location: 22q11.21.
Variant type: single nucleotide variant.
Coding change: c.1685T>G on transcript NM_006767.4 (MANE Select); coding-DNA position 1685, T replaced by G.
Protein change: p.Leu562Arg; replaces leucine 562 with arginine.
Molecular consequence: missense variant.
Genome position (GRCh38, 1-based): chr22:20,994,627, T>G. VCF-style: chr22-20994627-T-G. GRCh37 (hg19) VCF-style: chr22-21348916-T-G.
Other names: short protein forms L562R.
Identifiers: ClinVar variation 4101877 (VCV004101877.1).

ClinVar aggregate classification (germline): Uncertain significance (1 of 4 stars; one submission).

Conditions:
Cardiovascular phenotype. Identifiers: MedGen CN230736.
Hereditary cancer-predisposing syndrome. Also called: Tumor predisposition; Neoplastic Syndromes, Hereditary; Hereditary neoplastic syndrome; Hereditary Cancer Syndrome. Identifiers: Orphanet 140162, MedGen C0027672, MeSH D009386, MONDO:0015356.

Submission:

Ambry Genetics
Classification: Uncertain significance for Cardiovascular phenotype; Hereditary cancer-predisposing syndrome. Last evaluated: 2025-06-29. Review status: criteria provided, single submitter. Criteria: Ambry Variant Classification Scheme 2023. Collection method: clinical testing. Allele origin: germline.
Comment: The p.L562R variant (also known as c.1685T>G), located in coding exon 15 of the LZTR1 gene, results from a T to G substitution at nucleotide position 1685. The leucine at codon 562 is replaced by arginine, an amino acid with dissimilar properties. This amino acid position is conserved. In addition, this alteration is predicted to be deleterious by in silico analysis. Based on the available evidence, the clinical significance of this variant remains unclear.